The following is an entry in ClinVar:

NM_020774.4(MIB1):c.2124G>C (p.Arg708Ser)

Gene: MIB1 (MIB E3 ubiquitin protein ligase 1; plus strand). Cytogenetic location: 18q11.2.
Variant type: single nucleotide variant.
Coding change: c.2124G>C on transcript NM_020774.4 (MANE Select); coding-DNA position 2124, G replaced by C.
Protein change: p.Arg708Ser; replaces arginine 708 with serine.
Molecular consequence: missense variant.
Genome position (GRCh38, 1-based): chr18:21,844,166, G>C. VCF-style: chr18-21844166-G-C. GRCh37 (hg19) VCF-style: chr18-19424127-G-C.
Other names: short protein forms R708S.
Identifiers: ClinVar variation 2448816 (VCV002448816.2), dbSNP rs1223588721, ClinGen allele CA401795037.
Genomic context (GRCh38, chr18:21,844,166, plus strand): 5'-AGGTGCCAAGCTTGATATTCAGGATAAGGATGGGGATACTCCTTTGCATGAAGCTCTAAG[G>C]CATCACACTTTGTCTCAGCTACGTCAGCTCCAAGATATGCAAGATGTGGGGAAGGTGGAT-3'
Protein context (NP_065825.1, residues 698-718): DGDTPLHEAL[Arg708Ser]HHTLSQLRQL

ClinVar aggregate classification (germline): Uncertain significance (1 of 4 stars; one submission).

Conditions:
Inborn genetic diseases. Identifiers: MedGen C0950123, MeSH D030342.

Allele frequency attached by ClinVar (database versions not stated): gnomAD exomes below 0.00001.
gnomAD v4.1: 1 of 1,614,062 alleles (0.000062%); highest among the groups gnomAD compares: Non-Finnish European, 0.000085%; no homozygotes.

Submission:

Ambry Genetics
Classification: Uncertain significance for Inborn genetic diseases. Last evaluated: 2023-02-08. Review status: criteria provided, single submitter. Criteria: Ambry Variant Classification Scheme 2023. Collection method: clinical testing. Allele origin: germline.
Comment: The p.R708S variant (also known as c.2124G>C), located in coding exon 15 of the MIB1 gene, results from a G to C substitution at nucleotide position 2124. The arginine at codon 708 is replaced by serine, an amino acid with dissimilar properties. This amino acid position is conserved. In addition, the in silico prediction for this alteration is inconclusive. Since supporting evidence is limited at this time, the clinical significance of this alteration remains unclear.